The following is an entry in ClinVar:

NM_001035.3(RYR2):c.6585C>G (p.Asn2195Lys)

Gene: RYR2 (ryanodine receptor 2; plus strand). Cytogenetic location: 1q43.
Variant type: single nucleotide variant.
Coding change: c.6585C>G on transcript NM_001035.3 (MANE Select); coding-DNA position 6585, C replaced by G.
Protein change: p.Asn2195Lys; replaces asparagine 2195 with lysine.
Molecular consequence: missense variant.
Genome position (GRCh38, 1-based): chr1:237,633,607, C>G. VCF-style: chr1-237633607-C-G. GRCh37 (hg19) VCF-style: chr1-237796907-C-G.
Other names: short protein forms N2195K.
Identifiers: ClinVar variation 1063472 (VCV001063472.11), dbSNP rs2148700748, ClinGen allele CA345393988.

ClinVar aggregate classification (germline): Likely pathogenic. Review status: criteria provided, multiple submitters, no conflicts (2 of 4 stars). 2 submissions from 2 submitters: Likely pathogenic (2). Last evaluated 2026-07-13.

Conditions:
Cardiovascular phenotype. Identifiers: MedGen CN230736.
Catecholaminergic polymorphic ventricular tachycardia 1. Also called: VENTRICULAR TACHYCARDIA, STRESS-INDUCED POLYMORPHIC 1; VENTRICULAR TACHYCARDIA, CATECHOLAMINERGIC POLYMORPHIC, 1, WITH OR WITHOUT ATRIAL DYSFUNCTION AND/OR DILATED CARDIOMYOPATHY; RYR2-Related Catecholaminergic Polymorphic Ventricular Tachycardia. Identifiers: Orphanet 3286, MedGen C1631597, MONDO:0011484, OMIM 604772.

Submissions (2):

Ambry Genetics
Classification: Likely pathogenic for Cardiovascular phenotype. Last evaluated: 2026-07-13. Review status: criteria provided, single submitter. Criteria: Ambry Variant Classification Scheme 2023. Collection method: clinical testing. Allele origin: germline.
Comment: The p.N2195K variant (also known as c.6585C>G), located in coding exon 43 of the RYR2 gene, results from a C to G substitution at nucleotide position 6585. The asparagine at codon 2195 is replaced by lysine, an amino acid with similar properties. This variant was reported in individual(s) with features consistent with RYR2-related ventricular arrhythmia; in at least one individual, it was determined to be de novo (external communication). This missense variant is located in a region that has a low rate of benign missense variation (Lek M et al. Nature. 2016 Aug 18;536(7616):285-91; DECIPHER: Database of Chromosomal Imbalance and Phenotype in Humans using Ensembl Resources. Firth H.V. et al. 2009. Am.J.Hum.Genet. 84, 524-533 (DOI)). This amino acid position is highly conserved in available vertebrate species. In addition, the in silico prediction for this alteration is inconclusive. This variant is considered to be rare based on population cohorts in the Genome Aggregation Database (gnomAD). Based on the majority of available evidence to date, this variant is likely to be pathogenic.

Labcorp Genetics (formerly Invitae), Labcorp
Classification: Likely pathogenic for Catecholaminergic polymorphic ventricular tachycardia 1. Last evaluated: 2024-02-02. Review status: criteria provided, single submitter. Criteria: Invitae Variant Classification Sherloc (09022015). Collection method: clinical testing. Allele origin: germline.
Comment: This sequence change replaces asparagine, which is neutral and polar, with lysine, which is basic and polar, at codon 2195 of the RYR2 protein (p.Asn2195Lys). This variant is not present in population databases (gnomAD no frequency). This missense change has been observed in individual(s) with clinical features of RYR2-related conditions (Invitae). In at least one individual the variant was observed to be de novo. ClinVar contains an entry for this variant (Variation ID: 1063472). Advanced modeling of protein sequence and biophysical properties (such as structural, functional, and spatial information, amino acid conservation, physicochemical variation, residue mobility, and thermodynamic stability) performed at Invitae indicates that this missense variant is not expected to disrupt RYR2 protein function with a negative predictive value of 95%. In summary, the currently available evidence indicates that the variant is pathogenic, but additional data are needed to prove that conclusively. Therefore, this variant has been classified as Likely Pathogenic.